The following is an entry in ClinVar:

NM_001370466.1(NOD2):c.1174G>A (p.Ala392Thr)

Gene: NOD2 (nucleotide binding oligomerization domain containing 2; plus strand). Cytogenetic location: 16q12.1.
Variant type: single nucleotide variant.
Coding change: c.1174G>A on transcript NM_001370466.1 (MANE Select); coding-DNA position 1174, G replaced by A.
Protein change: p.Ala392Thr; replaces alanine 392 with threonine.
Molecular consequence: missense variant. On other transcripts: non-coding transcript variant (1).
Genome position (GRCh38, 1-based): chr16:50,711,166, G>A. VCF-style: chr16-50711166-G-A. GRCh37 (hg19) VCF-style: chr16-50745077-G-A.
Other names: c.1174G>A, p.Ala392Thr (NM_001293557.2); c.1255G>A, p.Ala419Thr (NM_022162.3); short protein forms A392T, A419T.
Identifiers: ClinVar variation 2945824 (VCV002945824.3), dbSNP rs1964466991, ClinGen allele CA395868546.
Genomic context (GRCh38, chr16:50,711,166, plus strand): 5'-GACCCCACCTCTGTCCAGACCCTGCTCTTCAACCTTCTGCAGGGCAACCTGCTGAAGAAT[G>A]CCCGCAAGGTGGTGACCAGCCGTCCGGCCGCTGTGTCGGCGTTCCTCAGGAAGTACATCC-3'
Protein context (NP_001357395.1, residues 382-402): NLLQGNLLKN[Ala392Thr]RKVVTSRPAA

ClinVar aggregate classification (germline): Uncertain significance (1 of 4 stars; one submission).

Conditions:
Regional enteritis. Also called: Enteritis, Granulomatous. Identifiers: MedGen C0678202, MeSH D003424.
Blau syndrome (BLAUS). Also called: ARTHROCUTANEOUVEAL GRANULOMATOSIS; GRANULOMATOSIS, FAMILIAL JUVENILE SYSTEMIC; GRANULOMATOSIS, FAMILIAL, BLAU TYPE; GRANULOMATOUS INFLAMMATORY ARTHRITIS, DERMATITIS, AND UVEITIS, FAMILIAL; JABS SYNDROME. Identifiers: Orphanet 90340, MedGen C5201146, MONDO:0008523, OMIM 186580.

Allele frequency attached by ClinVar (database versions not stated): TOPMed below 0.00001.

Submission:

Labcorp Genetics (formerly Invitae), Labcorp
Classification: Uncertain significance for Regional enteritis; Blau syndrome. Last evaluated: 2025-08-21. Review status: criteria provided, single submitter. Criteria: Invitae Variant Classification Sherloc (09022015). Collection method: clinical testing. Allele origin: germline.
Comment: This sequence change replaces alanine, which is neutral and non-polar, with threonine, which is neutral and polar, at codon 419 of the NOD2 protein (p.Ala419Thr). This variant is not present in population databases (gnomAD no frequency). This variant has not been reported in the literature in individuals affected with NOD2-related conditions. ClinVar contains an entry for this variant (Variation ID: 2945824). Invitae Evidence Modeling of protein sequence and biophysical properties (such as structural, functional, and spatial information, amino acid conservation, physicochemical variation, residue mobility, and thermodynamic stability) indicates that this missense variant is not expected to disrupt NOD2 protein function with a negative predictive value of 95%. In summary, the available evidence is currently insufficient to determine the role of this variant in disease. Therefore, it has been classified as a Variant of Uncertain Significance.